The following is an entry in ClinVar:

ClinVar aggregate classification (germline): Benign. Review status: criteria provided, multiple submitters, no conflicts (2 of 4 stars). 3 submissions from 3 submitters: Benign (3). Last evaluated 2025-08-11.

Conditions:
Succinyl-CoA acetoacetate transferase deficiency (SCOTD). Also called: 3-Oxoacid CoA Transferase Deficiency; KETOACIDOSIS DUE TO SCOT DEFICIENCY; SCOT DEFICIENCY; SUCCINYL-CoA:3-KETOACID CoA-TRANSFERASE DEFICIENCY; Succinyl CoA:3-oxoacid CoA transferase deficiency. Identifiers: Orphanet 832, MedGen C0342792, MONDO:0009492, OMIM 245050.

Submissions (3):

Labcorp Genetics (formerly Invitae), Labcorp
Classification: Benign for Succinyl-CoA acetoacetate transferase deficiency. Last evaluated: 2025-08-11. Review status: criteria provided, single submitter. Criteria: Invitae Variant Classification Sherloc (09022015). Collection method: clinical testing. Allele origin: germline.

Mayo Clinic Laboratories, Mayo Clinic
Classification: Benign. Last evaluated: 2024-02-16. Review status: criteria provided, single submitter. Criteria: ACMG Guidelines, 2015. Collection method: clinical testing. Allele origin: germline. Observed: 2 variant alleles.
Comment: BA1

ARUP Laboratories, Molecular Genetics and Genomics, ARUP Laboratories
Classification: Benign for Succinyl-CoA acetoacetate transferase deficiency. Last evaluated: 2023-11-29. Review status: criteria provided, single submitter. Criteria: ARUP Molecular Germline Variant Investigation Process 2024. Collection method: clinical testing. Allele origin: germline.

NM_000436.4(OXCT1):c.79-11del

Gene: OXCT1 (3-oxoacid CoA-transferase 1; minus strand). Cytogenetic location: 5p13.1.
Variant type: Deletion.
Coding change: c.79-11del on transcript NM_000436.4 (MANE Select); 11 bases into the intron before coding-DNA position 79, one base deleted (T; older notation c.79-11delT).
Molecular consequence: intron variant.
Genome position (GRCh38, 1-based): chr5:41,862,761, A deleted on the plus strand (T on the coding strand, the reverse complement: OXCT1 is on the minus strand); the first of 12 consecutive A bases (chr5:41,862,761-41,862,772); deleting any one gives the same sequence. VCF-style (leftmost placement, unchanged base first): chr5-41862760-TA-T. GRCh37 (hg19) VCF-style: chr5-41862862-TA-T.
Other names: p.?; c.79-11del (NM_001364301.2, NM_001364302.2, NM_001364299.2); c.100-11del (NM_001364300.2).
Identifiers: ClinVar variation 353669 (VCV000353669.23), dbSNP rs748715820, ClinGen allele CA3253696.
Genomic context (GRCh38, chr5:41,862,760, plus strand): 5'-ATAAAACTTGGTATGGCGATGAGCACTGGTGGAAAAGGAACAAACACATCCCTGAAATAT[TA>T]AAAAAAAAAAATTGATAATCATTTGGAGATACAGCTTTACTTTGTGTGTGTAGCAATTTA-3'